The following is an entry in ClinVar:

NC_012920.1(MT-CO2):m.7674T>C

Gene: MT-CO2 (mitochondrially encoded cytochrome c oxidase II; plus strand).
Variant type: single nucleotide variant.
Genome position: chrM-7674-T-C.
Identifiers: ClinVar variation 692758 (VCV000692758.3), dbSNP rs1569484168, ClinGen allele CA414793252.

ClinVar aggregate classification (germline): Likely benign (1 of 4 stars; one submission).

Conditions:
Leigh syndrome (NULS). Also called: Leigh's necrotizing encephalopathy; Leigh's disease; Leigh Syndrome (mtDNA deletion); Leigh Disease; Subacute necrotizing encephalopathy; Necrotizing encephalopathy infantile subacute of Leigh. Identifiers: Orphanet 506, MedGen C2931891, MONDO:0009723, OMIM 256000.

Submission:

Wong Mito Lab, Molecular and Human Genetics, Baylor College of Medicine
Classification: Likely benign for Leigh syndrome. Last evaluated: 2019-10-17. Review status: criteria provided, single submitter. Criteria: Modified ACMG Guidelines (Unpublished). Collection method: clinical testing. Allele origin: germline.
Comment: The NC_012920.1:m.7674T>C (YP_003024029.1:p.Ile30Thr) variant in MTCO2 gene is interpretated to be a Likely Benign variant based on the modified ACMG guidelines (unpublished). This variant meets the following evidence codes: BS1, BP4, BP5